The following is an entry in ClinVar:

ClinVar aggregate classification (germline): Likely benign (1 of 4 stars; one submission).

Conditions:
ANO8-related disorder. Also called: ANO8-related condition.

gnomAD v4.1: 10 of 1,604,142 alleles (0.00062%); highest among the groups gnomAD compares: African/African-American, 0.0013%; no homozygotes.

Submission:

PreventionGenetics, part of Exact Sciences
Classification: Likely benign for ANO8-related condition. Last evaluated: 2026-03-02. Review status: criteria provided, single submitter. Criteria: ACMG Guidelines, 2015. Collection method: clinical testing. Allele origin: germline.
Comment: This variant is classified as likely benign based on ACMG/AMP sequence variant interpretation guidelines (Richards et al. 2015 PMID: 25741868, with internal and published modifications).

NM_020959.3(ANO8):c.1146+6C>T

Gene: ANO8 (anoctamin 8; minus strand). Cytogenetic location: 19p13.11.
Variant type: single nucleotide variant.
Coding change: c.1146+6C>T on transcript NM_020959.3 (MANE Select); 6 bases into the intron after coding-DNA position 1146, C replaced by T.
Molecular consequence: intron variant.
Genome position (GRCh38, 1-based): chr19:17,330,346, G>A on the plus strand (C>T on the coding strand, the complement: ANO8 is on the minus strand). VCF-style: chr19-17330346-G-A. GRCh37 (hg19) VCF-style: chr19-17441155-G-A.
Identifiers: ClinVar variation 4986780 (VCV004986780.1).